The following is an entry in ClinVar:

NM_206933.4(USH2A):c.6928A>G (p.Thr2310Ala)

Gene: USH2A (usherin; minus strand). Cytogenetic location: 1q41.
Variant type: single nucleotide variant.
Coding change: c.6928A>G on transcript NM_206933.4 (MANE Select); coding-DNA position 6928, A replaced by G.
Protein change: p.Thr2310Ala; replaces threonine 2310 with alanine.
Molecular consequence: missense variant.
Genome position (GRCh38, 1-based): chr1:215,970,654, T>C on the plus strand (A>G on the coding strand, the complement: USH2A is on the minus strand). VCF-style: chr1-215970654-T-C. GRCh37 (hg19) VCF-style: chr1-216143996-T-C.
Other names: short protein forms T2310A.
Identifiers: ClinVar variation 2173279 (VCV002173279.1), dbSNP rs1667471671, ClinGen allele CA344853955.

ClinVar aggregate classification (germline): Uncertain significance (1 of 4 stars; one submission).

Submission:

Labcorp Genetics (formerly Invitae), Labcorp
Classification: Uncertain significance. Last evaluated: 2022-02-23. Review status: criteria provided, single submitter. Criteria: Invitae Variant Classification Sherloc (09022015). Collection method: clinical testing. Allele origin: germline.
Comment: This sequence change replaces threonine, which is neutral and polar, with alanine, which is neutral and non-polar, at codon 2310 of the USH2A protein (p.Thr2310Ala). This variant is not present in population databases (gnomAD no frequency). This variant has not been reported in the literature in individuals affected with USH2A-related conditions. Algorithms developed to predict the effect of missense changes on protein structure and function (SIFT, PolyPhen-2, Align-GVGD) all suggest that this variant is likely to be disruptive. This variant disrupts the p.Thr2310 amino acid residue in USH2A. Other variant(s) that disrupt this residue have been observed in individuals with USH2A-related conditions (PMID: 28944237, 33576794), which suggests that this may be a clinically significant amino acid residue. In summary, the available evidence is currently insufficient to determine the role of this variant in disease. Therefore, it has been classified as a Variant of Uncertain Significance.

Literature cited by the submitters: PubMed 28944237; PubMed 33576794.